The following is an entry in ClinVar:

ClinVar aggregate classification (germline): Uncertain significance (0 of 4 stars; one submission).

Conditions:
KANSL1-related disorder. Also called: KANSL1-related condition.

Submission:

PreventionGenetics, part of Exact Sciences
Classification: Uncertain significance for KANSL1-related condition. Last evaluated: 2024-08-26. Review status: no assertion criteria provided. Collection method: clinical testing. Allele origin: germline.
Comment: The KANSL1 c.1957C>T variant is predicted to result in the amino acid substitution p.Pro653Ser. To our knowledge, this variant has not been reported in the literature or in a large population database, indicating this variant is rare. At this time, the clinical significance of this variant is uncertain due to the absence of conclusive functional and genetic evidence.

NM_015443.4(KANSL1):c.1957C>T (p.Pro653Ser)

Gene: KANSL1 (KAT8 regulatory NSL complex subunit 1). Cytogenetic location: 17q21.31.
Variant type: single nucleotide variant.
Coding change: c.1957C>T on transcript NM_015443.4 (MANE Select); coding-DNA position 1957, C replaced by T.
Protein change: p.Pro653Ser; replaces proline 653 with serine.
Molecular consequence: missense variant.
Genome position (GRCh38, 1-based): chr17:46,050,596, G>A on the plus strand (C>T on the coding strand, the complement: KANSL1 is on the minus strand). VCF-style: chr17-46050596-G-A. GRCh37 (hg19) VCF-style: chr17-44127962-G-A.
Other names: c.1957C>T, p.Pro653Ser (NM_001193465.2, NM_001193466.2, NM_001379198.1 and 14 more transcripts); c.1855C>T, p.Pro619Ser (NM_001405859.1, NM_001405860.1, NM_001405861.1 and 1 more transcripts); c.691C>T, p.Pro231Ser (NM_001405882.1, NM_001405883.1, NM_001405884.1 and 1 more transcripts); short protein forms P231S, P619S, P653S.
Identifiers: ClinVar variation 3347284 (VCV003347284.1).
Genomic context (GRCh38, chr17:46,050,596, plus strand): 5'-CTGGAAATGCTAGAACAGGATGAACACAAGAGTCCAACTGGGAAAGACGTTCCAACAGAG[G>A]GGCTTCATAGTGAATTTCGGGAGGCATGGTGTTGATGCTGCCTGAACCACACAGTGCGCA-3'
Protein context (NP_056258.1, residues 643-663): TMPPEIHYEA[Pro653Ser]LLERLSQLDS